The following is an entry in ClinVar:

NM_002907.4(RECQL):c.1752T>G (p.His584Gln)

Genes: PYROXD1 (pyridine nucleotide-disulphide oxidoreductase domain 1; plus strand), RECQL (RecQ like helicase; minus strand). Cytogenetic location: 12p12.1.
Variant type: single nucleotide variant.
Coding change: c.1752T>G on transcript NM_002907.4 (MANE Select); coding-DNA position 1752, T replaced by G.
Protein change: p.His584Gln; replaces histidine 584 with glutamine.
Molecular consequence: missense variant. On other transcripts: 3 prime UTR variant (3).
Genome position (GRCh38, 1-based): chr12:21,471,014, A>C on the plus strand (T>G on the coding strand, the complement: RECQL is on the minus strand). VCF-style: chr12-21471014-A-C. GRCh37 (hg19) VCF-style: chr12-21623948-A-C.
Other names: c.1752T>G, p.His584Gln (NM_032941.3); c.*2260A>C (NM_001350912.2, NM_001350913.2, NM_024854.5); short protein forms H584Q.
Identifiers: ClinVar variation 958327 (VCV000958327.13), dbSNP rs1942938964, ClinGen allele CA384114487.

ClinVar aggregate classification (germline): Uncertain significance. Review status: criteria provided, multiple submitters, no conflicts (2 of 4 stars). 2 submissions from 2 submitters: Uncertain significance (2). Last evaluated 2025-11-08.

Allele frequency attached by ClinVar (database versions not stated): gnomAD exomes below 0.00001; gnomAD 0.00001; TOPMed 0.00001.
gnomAD v4.1: 4 of 1,596,824 alleles (0.00025%); highest among the groups gnomAD compares: Non-Finnish European, 0.00034%; no homozygotes.

Submissions (2):

Ambry Genetics
Classification: Uncertain significance. Last evaluated: 2025-11-08. Review status: criteria provided, single submitter. Criteria: Ambry Variant Classification Scheme 2023. Collection method: clinical testing. Allele origin: germline.
Comment: The p.H584Q variant (also known as c.1752T>G), located in coding exon 13 of the RECQL gene, results from a T to G substitution at nucleotide position 1752. The histidine at codon 584 is replaced by glutamine, an amino acid with highly similar properties. This amino acid position is well conserved in available vertebrate species. In addition, this alteration is predicted to be tolerated by in silico analysis. Since supporting evidence is limited at this time, the clinical significance of this alteration remains unclear.

Labcorp Genetics (formerly Invitae), Labcorp
Classification: Uncertain significance. Last evaluated: 2025-04-22. Review status: criteria provided, single submitter. Criteria: Invitae Variant Classification Sherloc (09022015). Collection method: clinical testing. Allele origin: germline.
Comment: This sequence change replaces histidine, which is basic and polar, with glutamine, which is neutral and polar, at codon 584 of the RECQL protein (p.His584Gln). This variant is not present in population databases (gnomAD no frequency). This variant has not been reported in the literature in individuals affected with RECQL-related conditions. ClinVar contains an entry for this variant (Variation ID: 958327). Invitae Evidence Modeling of protein sequence and biophysical properties (such as structural, functional, and spatial information, amino acid conservation, physicochemical variation, residue mobility, and thermodynamic stability) indicates that this missense variant is not expected to disrupt RECQL protein function with a negative predictive value of 80%. In summary, the available evidence is currently insufficient to determine the role of this variant in disease. Therefore, it has been classified as a Variant of Uncertain Significance.